The following is an entry in ClinVar:

NM_007259.5(VPS45):c.695_696del (p.Tyr232fs)

Gene: VPS45 (vacuolar protein sorting 45 homolog; plus strand). Cytogenetic location: 1q21.2.
Variant type: Microsatellite.
Coding change: c.695_696del on transcript NM_007259.5 (MANE Select); coding-DNA positions 695 to 696, 2 bases deleted (AT; older notation c.695_696delAT).
Protein change: p.Tyr232fs; shifts the reading frame from tyrosine 232.
Molecular consequence: frameshift variant. On other transcripts: non-coding transcript variant (1).
Genome position (GRCh38, 1-based): chr1:150,081,349-150,081,350, AT deleted; deleting any 2 consecutive bases within chr1:150,081,347-150,081,350 gives the same sequence; the c. name uses the placement nearest the transcript's 3' end. VCF-style (leftmost placement, unchanged base first): chr1-150081346-CAT-C. GRCh37 (hg19) VCF-style: chr1-150053428-CAT-C.
Other names: c.695_696delAT (NM_007259.5); c.380_381del, p.Tyr127fs (NM_001279353.2); c.587_588del, p.Tyr196fs (NM_001279354.2); short protein forms Y127fs, Y232fs, Y196fs.
Identifiers: ClinVar variation 864158 (VCV000864158.5), dbSNP rs782700993, ClinGen allele CA1073218.

ClinVar aggregate classification (germline): Conflicting classifications of pathogenicity. Review status: criteria provided, conflicting classifications (1 of 4 stars). 2 submissions from 2 submitters: Likely pathogenic (1); Uncertain significance (1). Last evaluated 2025-04-04.

Conditions:
Congenital neutropenia-myelofibrosis-nephromegaly syndrome. Also called: Severe congenital neutropenia 5, autosomal recessive. Identifiers: Orphanet 369852, MedGen C3809031, MONDO:0014118, OMIM 615285.

Submissions (2):

Natera, Inc.
Classification: Likely pathogenic for Autosomal recessive severe congenital neutropenia 5. Last evaluated: 2025-04-04. Review status: criteria provided, single submitter. Criteria: Natera Variant Classification Schema (03/2026). Collection method: clinical testing. Allele origin: germline.
Comment: The c.695_696delAT variant in VPS45 is a frameshift variant predicted to shift the reading frame beginning at codon 232 and leads to a stop codon 16 codons downstream. This variant is expected to result in nonsense mediated decay, truncation, or a dysfunctional protein product. This variant is rare in the general population with a frequency below the threshold expected for the associated phenotype(s). Given the available evidence, this variant is classified as Likely Pathogenic.

Labcorp Genetics (formerly Invitae), Labcorp
Classification: Uncertain significance for Congenital neutropenia-myelofibrosis-nephromegaly syndrome. Last evaluated: 2022-01-28. Review status: criteria provided, single submitter. Criteria: Invitae Variant Classification Sherloc (09022015). Collection method: clinical testing. Allele origin: germline.
Comment: This sequence change creates a premature translational stop signal (p.Tyr232Serfs*16) in the VPS45 gene. It is expected to result in an absent or disrupted protein product. However, the current clinical and genetic evidence is not sufficient to establish whether loss-of-function variants in VPS45 cause disease. This variant is present in population databases (no rsID available, gnomAD 0.005%). This variant has not been reported in the literature in individuals affected with VPS45-related conditions. ClinVar contains an entry for this variant (Variation ID: 864158). Experimental studies and prediction algorithms are not available or were not evaluated, and the functional significance of this variant is currently unknown. In summary, the available evidence is currently insufficient to determine the role of this variant in disease. Therefore, it has been classified as a Variant of Uncertain Significance.